The following is an entry in ClinVar:

NM_020381.4(PDSS2):c.357C>T (p.Ile119=)

Gene: PDSS2 (decaprenyl diphosphate synthase subunit 2; minus strand). Cytogenetic location: 6q21.
Variant type: single nucleotide variant.
Coding change: c.357C>T on transcript NM_020381.4 (MANE Select); coding-DNA position 357, C replaced by T.
Protein change: p.Ile119=; no amino-acid change (isoleucine 119 retained).
Molecular consequence: synonymous variant.
Genome position (GRCh38, 1-based): chr6:107,334,272, G>A on the plus strand (C>T on the coding strand, the complement: PDSS2 is on the minus strand). VCF-style: chr6-107334272-G-A. GRCh37 (hg19) VCF-style: chr6-107655476-G-A.
Other names: c.357C>T (NM_020381.3).
Identifiers: ClinVar variation 1648008 (VCV001648008.10), dbSNP rs746405005, ClinGen allele CA3946140.

ClinVar aggregate classification (germline): Likely benign. Review status: criteria provided, single submitter (1 of 4 stars). 2 submissions from 2 submitters: Likely benign (1). 1 of the submissions does not count toward it. Last evaluated 2025-09-17.

Conditions:
PDSS2-related disorder. Also called: PDSS2-related condition.

Allele frequency attached by ClinVar (database versions not stated): gnomAD exomes 0.00001 and 0.00002; ExAC 0.00002; gnomAD 0.00002.
gnomAD v4.1: 7 of 1,613,102 alleles (0.00043%); highest among the groups gnomAD compares: African/African-American, 0.0053%; no homozygotes.

Submissions (2):

Labcorp Genetics (formerly Invitae), Labcorp
Classification: Likely benign. Last evaluated: 2025-09-17. Review status: criteria provided, single submitter. Criteria: Invitae Variant Classification Sherloc (09022015). Collection method: clinical testing. Allele origin: germline.

PreventionGenetics, part of Exact Sciences
Classification: Likely benign for PDSS2-related condition. Last evaluated: 2023-11-22. Review status: no assertion criteria provided. Collection method: clinical testing. Allele origin: germline. Not counted in ClinVar's aggregate classification.
Comment: This variant is classified as likely benign based on ACMG/AMP sequence variant interpretation guidelines (Richards et al. 2015 PMID: 25741868, with internal and published modifications).